The following is an entry in ClinVar:

ClinVar aggregate classification (germline): Uncertain significance (1 of 4 stars; one submission).

Allele frequency attached by ClinVar (database versions not stated): gnomAD exomes below 0.00001; gnomAD 0.00001.
gnomAD v4.1: 5 of 1,606,746 alleles (0.00031%); highest among the groups gnomAD compares: Non-Finnish European, 0.00043%; no homozygotes.

Submission:

Labcorp Genetics (formerly Invitae), Labcorp
Classification: Uncertain significance. Last evaluated: 2022-11-01. Review status: criteria provided, single submitter. Criteria: Invitae Variant Classification Sherloc (09022015). Collection method: clinical testing. Allele origin: germline.
Comment: This sequence change replaces glycine, which is neutral and non-polar, with arginine, which is basic and polar, at codon 449 of the ERCC6L2 protein (p.Gly449Arg). This variant has not been reported in the literature in individuals affected with ERCC6L2-related conditions. Algorithms developed to predict the effect of missense changes on protein structure and function are either unavailable or do not agree on the potential impact of this missense change (SIFT: "Deleterious"; PolyPhen-2: "Not Available"; Align-GVGD: "Class C0"). This variant is present in population databases (no rsID available, gnomAD 0.007%). In summary, the available evidence is currently insufficient to determine the role of this variant in disease. Therefore, it has been classified as a Variant of Uncertain Significance.

NM_020207.7(ERCC6L2):c.1312G>C (p.Gly438Arg)

Gene: ERCC6L2 (ERCC excision repair 6 like 2; plus strand). Cytogenetic location: 9q22.32.
Variant type: single nucleotide variant.
Coding change: c.1312G>C on transcript NM_020207.7 (MANE Select); coding-DNA position 1312, G replaced by C.
Protein change: p.Gly438Arg; replaces glycine 438 with arginine.
Molecular consequence: missense variant. On other transcripts: non-coding transcript variant (1).
Genome position (GRCh38, 1-based): chr9:95,922,317, G>C. VCF-style: chr9-95922317-G-C. GRCh37 (hg19) VCF-style: chr9-98684599-G-C.
Other names: c.1312G>C, p.Gly438Arg (NM_001010895.4, NM_001375291.1, NM_001375292.1 and 2 more transcripts); short protein forms G438R.
Identifiers: ClinVar variation 2811388 (VCV002811388.3), dbSNP rs1281444544, ClinGen allele CA374124249.